The following is an entry in ClinVar:

ClinVar aggregate classification (germline): Likely benign. Review status: criteria provided, multiple submitters, no conflicts (2 of 4 stars). 2 submissions from 2 submitters: Likely benign (2). Last evaluated 2024-12-20.

Conditions:
CACNA1C-related disorder. Also called: CACNA1C-related condition; CACNA1C-related disorders. Identifiers: MedGen CN381092, MONDO:0700321.
Long QT syndrome (LQTS). Identifiers: MedGen C0023976, MeSH D008133, MONDO:0002442. Disease mechanism: loss of function. Inheritance: Various modes of inheritance.

Allele frequency attached by ClinVar (database versions not stated): ExAC 0.00001; gnomAD exomes 0.00001.
gnomAD v4.1: 8 of 1,611,260 alleles (0.0005%); highest among the groups gnomAD compares: Non-Finnish European, 0.00068%; no homozygotes.

Submissions (2):

PreventionGenetics, part of Exact Sciences
Classification: Likely benign for CACNA1C-related condition. Last evaluated: 2024-12-20. Review status: criteria provided, single submitter. Criteria: ACMG Guidelines, 2015. Collection method: clinical testing. Allele origin: germline.
Comment: This variant is classified as likely benign based on ACMG/AMP sequence variant interpretation guidelines (Richards et al. 2015 PMID: 25741868, with internal and published modifications).

Labcorp Genetics (formerly Invitae), Labcorp
Classification: Likely benign for Long QT syndrome. Last evaluated: 2024-09-05. Review status: criteria provided, single submitter. Criteria: Invitae Variant Classification Sherloc (09022015). Collection method: clinical testing. Allele origin: germline.

NM_000719.7(CACNA1C):c.624T>C (p.Phe208=)

Gene: CACNA1C (calcium voltage-gated channel subunit alpha1 C; plus strand). Cytogenetic location: 12p13.33.
Variant type: single nucleotide variant.
Coding change: c.624T>C on transcript NM_000719.7 (MANE Select); coding-DNA position 624, T replaced by C.
Protein change: p.Phe208=; no amino-acid change (phenylalanine 208 retained).
Molecular consequence: synonymous variant.
Genome position (GRCh38, 1-based): chr12:2,457,573, T>C. VCF-style: chr12-2457573-T-C. GRCh37 (hg19) VCF-style: chr12-2566739-T-C.
Other names: c.624T>C, p.Phe208= (NM_001129827.2, NM_001129829.2, NM_001129830.3 and 19 more transcripts).
Identifiers: ClinVar variation 1936090 (VCV001936090.6), dbSNP rs753028827, ClinGen allele CA6388500.
Genomic context (GRCh38, chr12:2,457,573, plus strand): 5'-CTGGGCAAAAGAAAACCCAGTCCTGACAGTCCTTCTCTCTTTCCTCTCTTCTAGGCTTTT[T>C]AGTGCAATTTTAGAACAAGCAACCAAAGCAGATGGGGCAAACGCTCTCGGAGGGAAAGGG-3'
Protein context (NP_000710.5, residues 198-218): LDFIIVVVGL[Phe208=]SAILEQATKA